The following is an entry in ClinVar:

NM_001081.4(CUBN):c.8684_8687del (p.Ser2895fs)

Gene: CUBN (cubilin; minus strand). Cytogenetic location: 10p13.
Variant type: Deletion.
Coding change: c.8684_8687del on transcript NM_001081.4 (MANE Select); coding-DNA positions 8684 to 8687, 4 bases deleted (GTAA; older notation c.8684_8687delGTAA).
Protein change: p.Ser2895fs; shifts the reading frame from serine 2895.
Molecular consequence: frameshift variant.
Genome position (GRCh38, 1-based): chr10:16,890,439-16,890,442, TTAC deleted on the plus strand (GTAA on the coding strand, the reverse complement: CUBN is on the minus strand); deleting any 4 consecutive bases within chr10:16,890,439-16,890,444 gives the same sequence; the c. name uses the placement nearest the transcript's 3' end. VCF-style (leftmost placement, unchanged base first): chr10-16890438-GTTAC-G. GRCh37 (hg19) VCF-style: chr10-16932437-GTTAC-G.
Other names: short protein forms S2895fs.
Identifiers: ClinVar variation 1427549 (VCV001427549.6), dbSNP rs2131400036, ClinGen allele CA2573144968.
Genomic context (GRCh38, chr10:16,890,438, plus strand): 5'-AAAGGACGCGGAGAAGCCCTGAGCTGGTGCCTCCTGAGACTGGAAGACGGCAGTGAATGT[GTTAC>G]TTGGTGTGATAACGGGACCCGGAGCCACGTTCCCACAGCCAGTGGCTAGCAGGGCTTTGT-3'

ClinVar aggregate classification (germline): Pathogenic (1 of 4 stars; one submission).

Conditions:
Imerslund-Grasbeck syndrome. Also called: ENTEROCYTE COBALAMIN MALABSORPTION; ENTEROCYTE INTRINSIC FACTOR RECEPTOR, DEFECT OF; PERNICIOUS ANEMIA, JUVENILE, DUE TO SELECTIVE INTESTINAL MALABSORPTION OF VITAMIN B12, WITH PROTEINURIA; Megaloblastic anemia due to inborn errors of metabolism; Imerslund-Gräsbeck syndrome. Identifiers: Orphanet 35858, MedGen C4551825, MONDO:0009853.

Submission:

Labcorp Genetics (formerly Invitae), Labcorp
Classification: Pathogenic for Imerslund-Grasbeck syndrome. Last evaluated: 2022-06-29. Review status: criteria provided, single submitter. Criteria: Invitae Variant Classification Sherloc (09022015). Collection method: clinical testing. Allele origin: germline.
Comment: For these reasons, this variant has been classified as Pathogenic. This sequence change creates a premature translational stop signal (p.Ser2895Thrfs*49) in the CUBN gene. It is expected to result in an absent or disrupted protein product. Loss-of-function variants in CUBN are known to be pathogenic (PMID: 15024727, 22929189). This variant is not present in population databases (gnomAD no frequency). This variant has not been reported in the literature in individuals affected with CUBN-related conditions.

Literature cited by the submitters: PubMed 15024727; PubMed 22929189.